The following is an entry in ClinVar:

NM_001277115.2(DNAH11):c.12293G>A (p.Gly4098Asp)

Gene: DNAH11 (dynein axonemal heavy chain 11; plus strand). Cytogenetic location: 7p15.3.
Variant type: single nucleotide variant.
Coding change: c.12293G>A on transcript NM_001277115.2 (MANE Select); coding-DNA position 12293, G replaced by A.
Protein change: p.Gly4098Asp; replaces glycine 4098 with aspartic acid.
Molecular consequence: missense variant.
Genome position (GRCh38, 1-based): chr7:21,880,799, G>A. VCF-style: chr7-21880799-G-A. GRCh37 (hg19) VCF-style: chr7-21920417-G-A.
Other names: short protein forms G4098D.
Identifiers: ClinVar variation 664714 (VCV000664714.9), dbSNP rs1583806980, ClinGen allele CA366964055.

ClinVar aggregate classification (germline): Uncertain significance (1 of 4 stars; one submission).

Conditions:
Primary ciliary dyskinesia. Also called: Ciliary dyskinesia. Identifiers: Orphanet 244, MedGen C0008780, MONDO:0016575, HP:0012265.

Submission:

Labcorp Genetics (formerly Invitae), Labcorp
Classification: Uncertain significance for Primary ciliary dyskinesia. Last evaluated: 2020-02-06. Review status: criteria provided, single submitter. Criteria: Invitae Variant Classification Sherloc (09022015). Collection method: clinical testing. Allele origin: germline.
Comment: In summary, the available evidence is currently insufficient to determine the role of this variant in disease. Therefore, it has been classified as a Variant of Uncertain Significance. Algorithms developed to predict the effect of missense changes on protein structure and function are either unavailable or do not agree on the potential impact of this missense change (SIFT: "Tolerated"; PolyPhen-2: "Probably Damaging"; Align-GVGD: "Class C0"). ClinVar contains an entry for this variant (Variation ID: 664714). This variant is not present in population databases (ExAC no frequency). This sequence change replaces glycine with aspartic acid at codon 4098 of the DNAH11 protein (p.Gly4098Asp). The glycine residue is highly conserved and there is a moderate physicochemical difference between glycine and aspartic acid.